The following is an entry in ClinVar:

ClinVar aggregate classification (germline): Uncertain significance. Review status: criteria provided, multiple submitters, no conflicts (2 of 4 stars). 2 submissions from 2 submitters: Uncertain significance (2). Last evaluated 2025-02-02.

Conditions:
Acute myeloid leukemia (AML). Also called: Acute myeloid leukemia, adult; AML adult; Acute non-lymphocytic leukemia; Acute granulocytic leukemia; Leukemia, acute myeloid, somatic; Leukemia, acute myelogenous, somatic. Identifiers: Orphanet 519, MedGen C0023467, MeSH D015470, MONDO:0018874, OMIM 601626, HP:0004808. Disease mechanism: Constitutively activated FLT3.
Inborn genetic diseases. Identifiers: MedGen C0950123, MeSH D030342.

gnomAD v4.1: 8 of 1,303,874 alleles (0.00061%); highest among the groups gnomAD compares: South Asian, 0.0025%; no homozygotes.

Submissions (2):

Ambry Genetics
Classification: Uncertain significance for Inborn genetic diseases. Last evaluated: 2025-02-02. Review status: criteria provided, single submitter. Criteria: Ambry Variant Classification Scheme 2023. Collection method: clinical testing. Allele origin: germline.
Comment: The p.P11L variant (also known as c.32C>T), located in coding exon 1 of the CEBPA gene, results from a C to T substitution at nucleotide position 32. The proline at codon 11 is replaced by leucine, an amino acid with similar properties. This amino acid position is conserved. In addition, this alteration is predicted to be tolerated by in silico analysis. Based on the available evidence, the clinical significance of this variant remains unclear.

Labcorp Genetics (formerly Invitae), Labcorp
Classification: Uncertain significance for Acute myeloid leukemia. Last evaluated: 2023-08-28. Review status: criteria provided, single submitter. Criteria: Invitae Variant Classification Sherloc (09022015). Collection method: clinical testing. Allele origin: germline.
Comment: This variant is not present in population databases (gnomAD no frequency). In summary, the available evidence is currently insufficient to determine the role of this variant in disease. Therefore, it has been classified as a Variant of Uncertain Significance. An algorithm developed to predict the effect of missense changes on protein structure and function (PolyPhen-2) suggests that this variant is likely to be tolerated. ClinVar contains an entry for this variant (Variation ID: 841302). This variant has not been reported in the literature in individuals affected with CEBPA-related conditions. This sequence change replaces proline, which is neutral and non-polar, with leucine, which is neutral and non-polar, at codon 11 of the CEBPA protein (p.Pro11Leu).

NM_004364.5(CEBPA):c.32C>T (p.Pro11Leu)

Genes: CEBPA (CCAAT enhancer binding protein alpha; minus strand), LOC130064183 (ATAC-STARR-seq lymphoblastoid silent region 10495; plus strand). Cytogenetic location: 19q13.11.
Variant type: single nucleotide variant.
Coding change: c.32C>T on transcript NM_004364.5 (MANE Select); coding-DNA position 32, C replaced by T.
Protein change: p.Pro11Leu; replaces proline 11 with leucine.
Molecular consequence: missense variant. On other transcripts: 5 prime UTR variant (2).
Genome position (GRCh38, 1-based): chr19:33,302,383, G>A on the plus strand (C>T on the coding strand, the complement: CEBPA is on the minus strand). VCF-style: chr19-33302383-G-A. GRCh37 (hg19) VCF-style: chr19-33793289-G-A.
Other names: c.-326C>T (NM_001285829.2); c.137C>T, p.Pro46Leu (NM_001287424.2); c.32C>T (NM_004364.3); c.-11C>T (NM_001287435.2); short protein forms P11L, P46L.
Identifiers: ClinVar variation 841302 (VCV000841302.13), dbSNP rs1967204111, ClinGen allele CA405275819.